The following is an entry in ClinVar:

NM_000059.4(BRCA2):c.7102T>G (p.Leu2368Val)

Gene: BRCA2 (BRCA2 DNA repair associated; plus strand). Cytogenetic location: 13q13.1.
Variant type: single nucleotide variant.
Coding change: c.7102T>G on transcript NM_000059.4 (MANE Select); coding-DNA position 7102, T replaced by G.
Protein change: p.Leu2368Val; replaces leucine 2368 with valine.
Molecular consequence: missense variant.
Genome position (GRCh38, 1-based): chr13:32,354,955, T>G. VCF-style: chr13-32354955-T-G. GRCh37 (hg19) VCF-style: chr13-32929092-T-G.
Other names: 7330T>G; short protein forms L2368V.
Identifiers: ClinVar variation 38084 (VCV000038084.31), dbSNP rs397507382, ClinGen allele CA024871.

ClinVar aggregate classification (germline): Conflicting classifications of pathogenicity. Review status: criteria provided, conflicting classifications (1 of 4 stars). 15 submissions from 15 submitters: Uncertain significance (1); Benign (4); Likely benign (5). 5 of the submissions do not count toward it. Last evaluated 2026-01-10.

Conditions:
Hereditary cancer-predisposing syndrome. Also called: Hereditary neoplastic syndrome; Neoplastic Syndromes, Hereditary; Tumor predisposition; Hereditary Cancer Syndrome. Identifiers: Orphanet 140162, MedGen C0027672, MeSH D009386, MONDO:0015356.
BRCA2-related disorder. Also called: BRCA2-related condition; BRCA2-related disorders. Identifiers: MedGen CN239275.
Breast and/or ovarian cancer. Identifiers: MedGen CN221562.
Hereditary breast ovarian cancer syndrome. Also called: Breast and ovarian cancer; Hereditary breast and ovarian cancer syndrome; Hereditary breast and/or ovarian cancer syndrome; BRCA1- and BRCA2-Associated Hereditary Breast and Ovarian Cancer; Hereditary breast and ovarian cancer; Hereditary breast and ovarian cancer syndrome (HBOC). Identifiers: Orphanet 145, MedGen C0677776, MeSH D061325, MONDO:0003582. Disease mechanism: loss of function.
Breast-ovarian cancer, familial, susceptibility to, 2 (BROVCA2). Also called: BRCA2 Hereditary Breast and Ovarian Cancer. Identifiers: Orphanet 145, MedGen C2675520, MONDO:0012933, OMIM 612555. Disease mechanism: loss of function.
Familial cancer of breast. Also called: hereditary breast carcinoma; BREAST CANCER, FAMILIAL; Hereditary breast cancer. Identifiers: Orphanet 227535, MedGen C0346153, MONDO:0016419, OMIM 114480. Disease mechanism: loss of function.
Malignant tumor of breast. Also called: Cancer breast; Malignant breast neoplasm. Identifiers: MedGen C0006142, MONDO:0007254. Disease mechanism: loss of function.

Allele frequency attached by ClinVar (database versions not stated): gnomAD exomes 0.00001 and 0.00008; gnomAD 0.00003 and 0.00004; TOPMed 0.00004; ExAC 0.00011.
gnomAD v4.1: 28 of 1,613,576 alleles (0.0017%); highest among the groups gnomAD compares: East Asian, 0.056%; no homozygotes.

Submissions (15):

Labcorp Genetics (formerly Invitae), Labcorp
Classification: Benign for Hereditary breast ovarian cancer syndrome. Last evaluated: 2026-01-10. Review status: criteria provided, single submitter. Criteria: Invitae Variant Classification Sherloc (09022015). Collection method: clinical testing. Allele origin: germline.

Center for Genomic Medicine, Rigshospitalet, Copenhagen University Hospital
Classification: Likely benign. Last evaluated: 2025-03-04. Review status: criteria provided, single submitter. Criteria: ACMG Guidelines, 2015. Collection method: clinical testing. Allele origin: germline.

Blueprint Genetics
Classification: Likely benign. Last evaluated: 2024-08-02. Review status: criteria provided, single submitter. Criteria: ACMG Guidelines, 2015. Collection method: clinical testing. Allele origin: germline.

Revvity Omics, Revvity
Classification: Uncertain significance. Last evaluated: 2023-04-12. Review status: criteria provided, single submitter. Criteria: ACMG Guidelines, 2015. Collection method: clinical testing. Allele origin: germline.

CHEO Genetics Diagnostic Laboratory, Children's Hospital of Eastern Ontario
Classification: Likely benign for Breast and/or ovarian cancer. Last evaluated: 2022-09-20. Review status: criteria provided, single submitter. Criteria: ACMG Guidelines, 2015. Collection method: clinical testing. Allele origin: germline.

Sema4
Classification: Likely benign for Hereditary cancer-predisposing syndrome. Last evaluated: 2021-12-06. Review status: criteria provided, single submitter. Criteria: Sema4 Curation Guidelines. Collection method: curation. Allele origin: germline.

GeneDx
Classification: Likely benign. Last evaluated: 2020-06-17. Review status: criteria provided, single submitter. Criteria: GeneDx Variant Classification Process June 2021. Collection method: clinical testing. Allele origin: germline. Affected: yes.
Comment: This variant is associated with the following publications: (PMID: 21218378, 26689913, 28508593, 29146900, 30093976, 31825140)

Women's Health and Genetics/Laboratory Corporation of America, LabCorp
Classification: Benign. Last evaluated: 2019-05-20. Review status: criteria provided, single submitter. Criteria: LabCorp Variant Classification Summary - May 2015. Collection method: clinical testing. Allele origin: germline.
Comment: Variant summary: BRCA2 c.7102T>G (p.Leu2368Val) results in a conservative amino acid change in the encoded protein sequence. Five of five in-silico tools predict a benign effect of the variant on protein function. The variant allele was found at a frequency of 7.8e-05 in 282366 control chromosomes, exclusively found within the East Asian subpopulation with a frequency of 0.0011 in the gnomAD database. The observed variant frequency within East Asian control individuals in the gnomAD database is approximately 1.5 fold of the estimated maximal expected allele frequency for a pathogenic variant in BRCA2 causing Hereditary Breast and Ovarian Cancer phenotype (0.00075), strongly suggesting that the variant is a benign polymorphism found primarily in populations of East Asian origin. The variant, c.7102T>G, has been reported in the literature in individuals affected with breast cancer, but without evidence for causality (Carney_2010, Chan_2018). In addition, co-occurrences with another pathogenic BRCA2 variant have been reported (BRCA2 c.7878G>A (p.Trp2626X); in Carney_2010 and in our internal database), providing supporting evidence for a benign role. To our knowledge, no experimental evidence demonstrating an impact on protein function has been reported. Four other clinical diagnostic laboratories have submitted clinical-significance assessments for this variant to ClinVar after 2014 without evidence for independent evaluation, and classified the variant a VUS (1x), Likely benign (2x) and Benign (1x). Based on the evidence outlined above, the variant was classified as benign.

Color Diagnostics, LLC DBA Color Health
Classification: Benign for Hereditary cancer-predisposing syndrome. Last evaluated: 2016-12-05. Review status: criteria provided, single submitter. Criteria: ACMG Guidelines, 2015. Collection method: clinical testing. Allele origin: germline.

Ambry Genetics
Classification: Benign for Hereditary cancer-predisposing syndrome. Last evaluated: 2014-11-19. Review status: criteria provided, single submitter. Criteria: Ambry Variant Classification Scheme 2023. Collection method: clinical testing. Allele origin: germline.

PreventionGenetics, part of Exact Sciences
Classification: Likely benign for BRCA2-related condition. Last evaluated: 2023-09-11. Review status: no assertion criteria provided. Collection method: clinical testing. Allele origin: germline. Not counted in ClinVar's aggregate classification.
Comment: This variant is classified as likely benign based on ACMG/AMP sequence variant interpretation guidelines (Richards et al. 2015 PMID: 25741868, with internal and published modifications).

Counsyl
Classification: Uncertain significance for Breast-ovarian cancer, familial, susceptibility to, 2. Last evaluated: 2015-11-17. Review status: no assertion criteria provided. Collection method: clinical testing. Allele origin: unknown. Not counted in ClinVar's aggregate classification.

Sharing Clinical Reports Project (SCRP)
Classification: Benign for Breast-ovarian cancer, familial 2. Last evaluated: 2011-11-08. Review status: no assertion criteria provided. Collection method: clinical testing. Allele origin: germline. Not counted in ClinVar's aggregate classification.

Center for Precision Medicine, Meizhou People's Hospital
Classification: Likely benign for Familial cancer of breast. Review status: no assertion criteria provided. Collection method: literature only. Allele origin: germline. Affected: yes. Not counted in ClinVar's aggregate classification.

Department of Pathology and Laboratory Medicine, Sinai Health System
Classification: Likely benign for Malignant tumor of breast. Review status: no assertion criteria provided. Collection method: clinical testing. Allele origin: unknown. Affected: yes. Study: The Canadian Open Genetics Repository (COGR). Not counted in ClinVar's aggregate classification.
Comment: The BRCA2 p.Leu2368Val variant was identified in the literature in an individual with breast cancer (Carney 2010). The variant was identified in co-occurrence with a pathogenic BRCA2 variant (p.Trp2626X) in this individual, increasing the likelihood that the p.Leu2368Val variant may not have clinical significance. The variant was also identified in dbSNP (ID: rs397507382) â€šÃ„ÃºWith Likely Benign alleleâ€šÃ„Ã¹, and in the Clinvar database (classified as a benign variant by the Sharing Clinical Reports Project (SCRP) (derived from Myriad reports); classified as likely benign by Ambry Genetics). The variant occurs outside of the splicing consensus sequence and five in silico or computational prediction software programs (SpliceSiteFinder, MaxEntScan, NNSPLICE, GeneSplicer, HumanSpliceFinder) do not predict a difference in splicing. The p.Leu2368 residue is not conserved in mammals and the variant amino acid valine (Val) is present in rat, increasing the likelihood that this variant does not have clinical significance. Computational analyses (PolyPhen-2, SIFT, AlignGVGD, BLOSUM, MutationTaster) do not suggest a high likelihood of impact to the protein; however, this information is not predictive enough to rule out pathogenicity. In summary, based on the above information, the clinical significance of this variant cannot be determined with certainty at this time although we would lean towards a more benign role for this variant. This variant is classified as likely benign.

Literature cited by the submitters: PubMed 21218378 (cited by 5 submitters); PubMed 30093976 (cited by 3 submitters); PubMed 31825140 (cited by Sema4 and Center for Precision Medicine, Meizhou People's Hospital); PubMed 33526602 (cited by Sema4); PubMed 33471991 (cited by Sema4); PubMed 32467295 (cited by Sema4); PubMed 26689913 (cited by Women's Health and Genetics/Laboratory Corporation of America, LabCorp and Center for Precision Medicine, Meizhou People's Hospital); PubMed 28508593 (cited by Center for Precision Medicine, Meizhou People's Hospital); PubMed 29146900 (cited by Center for Precision Medicine, Meizhou People's Hospital).